The following is an entry in ClinVar:

NM_000245.4(MET):c.1528-13C>T

Gene: MET (MET proto-oncogene, receptor tyrosine kinase; plus strand). Cytogenetic location: 7q31.2.
Variant type: single nucleotide variant.
Coding change: c.1528-13C>T on transcript NM_000245.4 (MANE Select); 13 bases into the intron before coding-DNA position 1528, C replaced by T.
Molecular consequence: intron variant.
Genome position (GRCh38, 1-based): chr7:116,740,839, C>T. VCF-style: chr7-116740839-C-T. GRCh37 (hg19) VCF-style: chr7-116380893-C-T.
Other names: c.1528-13C>T (NM_001127500.3, NM_001324401.3); c.238-13C>T (NM_001324402.2).
Identifiers: ClinVar variation 1595350 (VCV001595350.9), dbSNP rs751613983, ClinGen allele CA4448197.

ClinVar aggregate classification (germline): Likely benign. Review status: criteria provided, multiple submitters, no conflicts (2 of 4 stars). 2 submissions from 2 submitters: Likely benign (2). Last evaluated 2025-05-04.

Conditions:
Renal cell carcinoma. Identifiers: Orphanet 217071, MedGen C0007134, MeSH D002292, MONDO:0005086, HP:0005584.
Papillary renal cell carcinoma type 1 (RCCP1). Also called: RENAL CELL CARCINOMA, PAPILLARY, 1, SOMATIC; Renal adenocarcinoma; Renal cell carcinoma 1; Renal cell carcinoma, somatic. Identifiers: Orphanet 47044, MedGen C1336839, OMIM 605074, HP:0011797.

Allele frequency attached by ClinVar (database versions not stated): ExAC 0.00001; gnomAD exomes 0.00001.
gnomAD v4.1: 8 of 1,613,908 alleles (0.0005%); highest among the groups gnomAD compares: Non-Finnish European, 0.00068%; no homozygotes.

Submissions (2):

Labcorp Genetics (formerly Invitae), Labcorp
Classification: Likely benign for Renal cell carcinoma. Last evaluated: 2025-05-04. Review status: criteria provided, single submitter. Criteria: Invitae Variant Classification Sherloc (09022015). Collection method: clinical testing. Allele origin: germline.

Myriad Genetics, Inc.
Classification: Likely benign for Papillary renal cell carcinoma type 1. Last evaluated: 2024-11-07. Review status: criteria provided, single submitter. Criteria: Myriad Autosomal Dominant, Autosomal Recessive and X-Linked Classification Criteria (2023). Collection method: clinical testing. Allele origin: unknown.
Comment: This variant is considered likely benign. This variant is intronic and is not expected to impact mRNA splicing.